The following is an entry in ClinVar:

ClinVar aggregate classification (germline): Uncertain significance. Review status: criteria provided, multiple submitters, no conflicts (2 of 4 stars). 2 submissions from 2 submitters: Uncertain significance (2). Last evaluated 2025-11-24.

Conditions:
Hereditary cancer-predisposing syndrome. Also called: Tumor predisposition; Neoplastic Syndromes, Hereditary; Hereditary Cancer Syndrome; Hereditary neoplastic syndrome. Identifiers: Orphanet 140162, MedGen C0027672, MeSH D009386, MONDO:0015356.
Neuroblastoma, susceptibility to, 3. Also called: ALK-Related Neuroblastic Tumor Susceptibility. Identifiers: Orphanet 635, MedGen C2751681, MONDO:0013083, OMIM 613014.

Submissions (2):

Labcorp Genetics (formerly Invitae), Labcorp
Classification: Uncertain significance for Neuroblastoma, susceptibility to, 3. Last evaluated: 2025-11-24. Review status: criteria provided, single submitter. Criteria: Invitae Variant Classification Sherloc (09022015). Collection method: clinical testing. Allele origin: germline.
Comment: This sequence change replaces tyrosine, which is neutral and polar, with histidine, which is basic and polar, at codon 361 of the ALK protein (p.Tyr361His). This variant is not present in population databases (gnomAD no frequency). This variant has not been reported in the literature in individuals affected with ALK-related conditions. ClinVar contains an entry for this variant (Variation ID: 1062330). An algorithm developed to predict the effect of missense changes on protein structure and function (PolyPhen-2) suggests that this variant is likely to be disruptive. In summary, the available evidence is currently insufficient to determine the role of this variant in disease. Therefore, it has been classified as a Variant of Uncertain Significance.

Ambry Genetics
Classification: Uncertain significance for Hereditary cancer-predisposing syndrome. Last evaluated: 2024-11-05. Review status: criteria provided, single submitter. Criteria: Ambry Variant Classification Scheme 2023. Collection method: clinical testing. Allele origin: germline.
Comment: The p.Y361H variant (also known as c.1081T>C), located in coding exon 4 of the ALK gene, results from a T to C substitution at nucleotide position 1081. The tyrosine at codon 361 is replaced by histidine, an amino acid with similar properties. This amino acid position is conserved. In addition, this alteration is predicted to be tolerated by in silico analysis. Based on the available evidence, the clinical significance of this variant remains unclear.

NM_004304.5(ALK):c.1081T>C (p.Tyr361His)

Gene: ALK (ALK receptor tyrosine kinase; minus strand). Cytogenetic location: 2p23.2.
Variant type: single nucleotide variant.
Coding change: c.1081T>C on transcript NM_004304.5 (MANE Select); coding-DNA position 1081, T replaced by C.
Protein change: p.Tyr361His; replaces tyrosine 361 with histidine.
Molecular consequence: missense variant.
Genome position (GRCh38, 1-based): chr2:29,531,988, A>G on the plus strand (T>C on the coding strand, the complement: ALK is on the minus strand). VCF-style: chr2-29531988-A-G. GRCh37 (hg19) VCF-style: chr2-29754854-A-G.
Other names: c.1081T>C (NM_004304.4); short protein forms Y361H.
Identifiers: ClinVar variation 1062330 (VCV001062330.10), dbSNP rs2148158586, ClinGen allele CA346587315.